The following is an entry in ClinVar:

NM_032638.5(GATA2):c.460A>G (p.Ser154Gly)

Gene: GATA2 (GATA binding protein 2; minus strand). Cytogenetic location: 3q21.3.
Variant type: single nucleotide variant.
Coding change: c.460A>G on transcript NM_032638.5 (MANE Select); coding-DNA position 460, A replaced by G.
Protein change: p.Ser154Gly; replaces serine 154 with glycine.
Molecular consequence: missense variant.
Genome position (GRCh38, 1-based): chr3:128,486,138, T>C on the plus strand (A>G on the coding strand, the complement: GATA2 is on the minus strand). VCF-style: chr3-128486138-T-C. GRCh37 (hg19) VCF-style: chr3-128204981-T-C.
Other names: c.460A>G (NM_032638.4); c.460A>G, p.Ser154Gly (NM_001145661.2, NM_001145662.1); short protein forms S154G.
Identifiers: ClinVar variation 1018714 (VCV001018714.9), dbSNP rs1559987448, ClinGen allele CA354406710.

ClinVar aggregate classification (germline): Uncertain significance. Review status: criteria provided, multiple submitters, no conflicts (2 of 4 stars). 2 submissions from 2 submitters: Uncertain significance (2). Last evaluated 2025-07-15.

Conditions:
Deafness-lymphedema-leukemia syndrome. Also called: Emberger syndrome; Lymphedema, primary, with myelodysplasia. Identifiers: Orphanet 3226, MedGen C3279664, MONDO:0013540, OMIM 614038.
Monocytopenia with susceptibility to infections. Also called: MONOCYTOPENIA AND MYCOBACTERIAL INFECTION SYNDROME; MONOCYTOPENIA WITH SUSCEPTIBILITY TO MYCOBACTERIAL, FUNGAL, AND PAPILLOMAVIRUS INFECTIONS AND MYELODYSPLASIA; COMBINED IMMUNODEFICIENCY WITH SUSCEPTIBILITY TO MYCOBACTERIAL, VIRAL, AND FUNGAL INFECTIONS; IMMUNODEFICIENCY 21; GATA2 DEFICIENCY; Dendritic cell, monocyte, B lymphocyte, and natural killer lymphocyte deficiency. Identifiers: Orphanet 228423, MedGen C3280030, MONDO:0013607, OMIM 614172.
Inborn genetic diseases. Identifiers: MedGen C0950123, MeSH D030342.

Allele frequency attached by ClinVar (database versions not stated): gnomAD 0.00001; gnomAD exomes below 0.00001.
gnomAD v4.1: 3 of 1,595,744 alleles (0.00019%); highest among the groups gnomAD compares: Non-Finnish European, 0.00026%; no homozygotes.

Submissions (2):

Labcorp Genetics (formerly Invitae), Labcorp
Classification: Uncertain significance for Monocytopenia with susceptibility to infections; Deafness-lymphedema-leukemia syndrome. Last evaluated: 2025-07-15. Review status: criteria provided, single submitter. Criteria: Invitae Variant Classification Sherloc (09022015). Collection method: clinical testing. Allele origin: germline.
Comment: This sequence change replaces serine, which is neutral and polar, with glycine, which is neutral and non-polar, at codon 154 of the GATA2 protein (p.Ser154Gly). This variant is not present in population databases (gnomAD no frequency). This variant has not been reported in the literature in individuals affected with GATA2-related conditions. ClinVar contains an entry for this variant (Variation ID: 1018714). Invitae Evidence Modeling of protein sequence and biophysical properties (such as structural, functional, and spatial information, amino acid conservation, physicochemical variation, residue mobility, and thermodynamic stability) indicates that this missense variant is not expected to disrupt GATA2 protein function with a negative predictive value of 95%. In summary, the available evidence is currently insufficient to determine the role of this variant in disease. Therefore, it has been classified as a Variant of Uncertain Significance.

Ambry Genetics
Classification: Uncertain significance for Inborn genetic diseases. Last evaluated: 2024-11-23. Review status: criteria provided, single submitter. Criteria: Ambry Variant Classification Scheme 2023. Collection method: clinical testing. Allele origin: germline.
Comment: The p.S154G variant (also known as c.460A>G), located in coding exon 2 of the GATA2 gene, results from an A to G substitution at nucleotide position 460. The serine at codon 154 is replaced by glycine, an amino acid with similar properties. This amino acid position is conserved. In addition, this alteration is predicted to be tolerated by in silico analysis. Based on the available evidence, the clinical significance of this variant remains unclear.